The following is an entry in ClinVar:

ClinVar aggregate classification (germline): Uncertain significance (1 of 4 stars; one submission).

Conditions:
Periodic fever-infantile enterocolitis-autoinflammatory syndrome. Also called: Autoinflammation with infantile enterocolitis. Identifiers: Orphanet 436166, MedGen C4015067, MONDO:0014472, OMIM 616050.
Familial cold autoinflammatory syndrome 4 (FCAS4). Identifiers: Orphanet 47045, Orphanet 576349, MedGen C4015276, MONDO:0014498, OMIM 616115.

Allele frequency attached by ClinVar (database versions not stated): gnomAD exomes below 0.00001; ExAC 0.00002.
gnomAD v4.1: 2 of 1,599,596 alleles (0.00013%); highest among the groups gnomAD compares: Admixed American, 0.0033%; no homozygotes.

Submission:

Labcorp Genetics (formerly Invitae), Labcorp
Classification: Uncertain significance for Periodic fever-infantile enterocolitis-autoinflammatory syndrome; Familial cold autoinflammatory syndrome 4. Last evaluated: 2025-01-25. Review status: criteria provided, single submitter. Criteria: Invitae Variant Classification Sherloc (09022015). Collection method: clinical testing. Allele origin: germline.
Comment: This sequence change replaces asparagine, which is neutral and polar, with aspartic acid, which is acidic and polar, at codon 776 of the NLRC4 protein (p.Asn776Asp). This variant is present in population databases (rs756678920, gnomAD 0.006%). This variant has not been reported in the literature in individuals affected with NLRC4-related conditions. ClinVar contains an entry for this variant (Variation ID: 2194699). Invitae Evidence Modeling of protein sequence and biophysical properties (such as structural, functional, and spatial information, amino acid conservation, physicochemical variation, residue mobility, and thermodynamic stability) indicates that this missense variant is not expected to disrupt NLRC4 protein function with a negative predictive value of 80%. In summary, the available evidence is currently insufficient to determine the role of this variant in disease. Therefore, it has been classified as a Variant of Uncertain Significance.

NM_001199138.2(NLRC4):c.2326A>G (p.Asn776Asp)

Gene: NLRC4 (NLR family CARD domain containing 4; minus strand). Cytogenetic location: 2p22.3.
Variant type: single nucleotide variant.
Coding change: c.2326A>G on transcript NM_001199138.2 (MANE Select); coding-DNA position 2326, A replaced by G.
Protein change: p.Asn776Asp; replaces asparagine 776 with aspartic acid.
Molecular consequence: missense variant.
Genome position (GRCh38, 1-based): chr2:32,241,057, T>C on the plus strand (A>G on the coding strand, the complement: NLRC4 is on the minus strand). VCF-style: chr2-32241057-T-C. GRCh37 (hg19) VCF-style: chr2-32466126-T-C.
Other names: c.2326A>G, p.Asn776Asp (NM_001199139.2, NM_021209.5); c.331A>G, p.Asn111Asp (NM_001302504.2); short protein forms N111D, N776D.
Identifiers: ClinVar variation 2194699 (VCV002194699.4), dbSNP rs756678920, ClinGen allele CA1601831.
Genomic context (GRCh38, chr2:32,241,057, plus strand): 5'-CTTACATTGATACAAATATGAGAACAGAAATCTGACCTAGTTTTATAGCATCTTCTTCAT[T>C]CATCTTTATGTTATCCATTATGAGCTTTGTAAGGTTCTTCAAGTTACCCAAGCTGTCAGT-3'
Protein context (NP_001186067.1, residues 766-786): TKLIMDNIKM[Asn776Asp]EEDAIKLAEG